The following is an entry in ClinVar:

ClinVar aggregate classification (germline): Uncertain significance (1 of 4 stars; one submission).

Conditions:
Cardiovascular phenotype. Identifiers: MedGen CN230736.

gnomAD v4.1: 1 of 1,551,584 alleles (0.000064%); highest among the groups gnomAD compares: South Asian, 0.0012%; no homozygotes.

Submission:

Ambry Genetics
Classification: Uncertain significance for Cardiovascular phenotype. Last evaluated: 2024-08-12. Review status: criteria provided, single submitter. Criteria: Ambry Variant Classification Scheme 2023. Collection method: clinical testing. Allele origin: germline.
Comment: The p.F1169L variant (also known as c.3507C>G), located in coding exon 13 of the RBM20 gene, results from a C to G substitution at nucleotide position 3507. The phenylalanine at codon 1169 is replaced by leucine, an amino acid with highly similar properties. This amino acid position is conserved. In addition, this alteration is predicted to be deleterious by in silico analysis. Based on the available evidence, the clinical significance of this variant remains unclear.

NM_001134363.3(RBM20):c.3507C>G (p.Phe1169Leu)

Gene: RBM20 (RNA binding motif protein 20; plus strand). Cytogenetic location: 10q25.2.
Variant type: single nucleotide variant.
Coding change: c.3507C>G on transcript NM_001134363.3 (MANE Select); coding-DNA position 3507, C replaced by G.
Protein change: p.Phe1169Leu; replaces phenylalanine 1169 with leucine.
Molecular consequence: missense variant.
Genome position (GRCh38, 1-based): chr10:110,831,116, C>G. VCF-style: chr10-110831116-C-G. GRCh37 (hg19) VCF-style: chr10-112590874-C-G.
Other names: short protein forms F1169L.
Identifiers: ClinVar variation 3431231 (VCV003431231.1).